The following is an entry in ClinVar:

ClinVar aggregate classification (germline): Uncertain significance. Review status: criteria provided, multiple submitters, no conflicts (2 of 4 stars). 2 submissions from 2 submitters: Uncertain significance (2). Last evaluated 2024-12-30.

Conditions:
Inborn genetic diseases. Identifiers: MedGen C0950123, MeSH D030342.

gnomAD v4.1: 14 of 1,609,840 alleles (0.00087%); highest among the groups gnomAD compares: African/African-American, 0.004%; no homozygotes.

Submissions (2):

Ambry Genetics
Classification: Uncertain significance for Inborn genetic diseases. Last evaluated: 2024-12-30. Review status: criteria provided, single submitter. Criteria: Ambry Variant Classification Scheme 2023. Collection method: clinical testing. Allele origin: germline.

Labcorp Genetics (formerly Invitae), Labcorp
Classification: Uncertain significance. Last evaluated: 2022-08-29. Review status: criteria provided, single submitter. Criteria: Invitae Variant Classification Sherloc (09022015). Collection method: clinical testing. Allele origin: germline.
Comment: In summary, the available evidence is currently insufficient to determine the role of this variant in disease. Therefore, it has been classified as a Variant of Uncertain Significance. Algorithms developed to predict the effect of missense changes on protein structure and function are either unavailable or do not agree on the potential impact of this missense change (SIFT: "Deleterious"; PolyPhen-2: "Benign"; Align-GVGD: "Class C0"). This variant has not been reported in the literature in individuals affected with IGF1R-related conditions. This variant is present in population databases (no rsID available, gnomAD 0.007%). This sequence change replaces proline, which is neutral and non-polar, with leucine, which is neutral and non-polar, at codon 27 of the IGF1R protein (p.Pro27Leu).

NM_000875.5(IGF1R):c.80C>T (p.Pro27Leu)

Genes: IGF1R (insulin like growth factor 1 receptor; plus strand), IRAIN (IGF1R antisense imprinted non-protein coding RNA; minus strand). Cytogenetic location: 15q26.3.
Variant type: single nucleotide variant.
Coding change: c.80C>T on transcript NM_000875.5 (MANE Select); coding-DNA position 80, C replaced by T.
Protein change: p.Pro27Leu; replaces proline 27 with leucine.
Molecular consequence: missense variant. On other transcripts: non-coding transcript variant (1).
Genome position (GRCh38, 1-based): chr15:98,649,661, C>T. VCF-style: chr15-98649661-C-T. GRCh37 (hg19) VCF-style: chr15-99192890-C-T.
Other names: c.80C>T (NM_000875.3); c.80C>T, p.Pro27Leu (NM_001291858.2); short protein forms P27L.
Identifiers: ClinVar variation 1946349 (VCV001946349.6), dbSNP rs779890447, ClinGen allele CA275806475.